The following is an entry in ClinVar:

ClinVar aggregate classification (germline): Uncertain significance (1 of 4 stars; one submission).

Submission:

ISCA site 14
Classification: Uncertain significance. Last evaluated: 2011-08-12. Review status: criteria provided, single submitter. Criteria: Kaminsky et al. (Genet Med. 2011). Collection method: clinical testing. Allele origin: unknown. Affected: yes. Observed: 2 variant alleles.
Comment: Copy number variation identified through the course of routine clinical cytogenomic testing in postnatal populations. Clinical assertions have been curated as described in Kaminsky et al. 2011.

GRCh38/hg38 Xq28(chrX:152789896-153047281)x3

Genes: CETN2 (centrin 2; minus strand), MAGEA6-DT (MAGEA6 divergent transcript; plus strand), NSDHL (NAD(P) dependent 3-beta-hydroxysteroid dehydrogenase NSDHL; plus strand), PNMA5 (PNMA family member 5; minus strand), ZNF185 (zinc finger protein 185 with LIM domain; plus strand) and 7 more. Cytogenetic location: Xq28.
Variant type: copy number gain.
Change: copy number 3 of chrX:152,789,896-153,047,281 (257.4 kb, GRCh38 coordinates, 1-based), cytogenetic band Xq28.
Identifiers: ClinVar variation 144132 (VCV000144132.1).